The following is an entry in ClinVar:

ClinVar aggregate classification (germline): Uncertain significance (1 of 4 stars; one submission).

Conditions:
Nemaline myopathy 6 (NEM6). Also called: Nemaline myopathy 6, autosomal dominant. Identifiers: Orphanet 171439, MedGen C1836472, MONDO:0012237, OMIM 609273.

Submission:

Labcorp Genetics (formerly Invitae), Labcorp
Classification: Uncertain significance for Nemaline myopathy 6. Last evaluated: 2022-03-18. Review status: criteria provided, single submitter. Criteria: Invitae Variant Classification Sherloc (09022015). Collection method: clinical testing. Allele origin: germline.
Comment: This sequence change creates a premature translational stop signal (p.Tyr179*) in the KBTBD13 gene. While this is not anticipated to result in nonsense mediated decay, it is expected to disrupt the last 280 amino acid(s) of the KBTBD13 protein. This variant is not present in population databases (gnomAD no frequency). This variant has not been reported in the literature in individuals affected with KBTBD13-related conditions. ClinVar contains an entry for this variant (Variation ID: 970961). In summary, the available evidence is currently insufficient to determine the role of this variant in disease. Therefore, it has been classified as a Variant of Uncertain Significance.

NM_001101362.3(KBTBD13):c.537C>G (p.Tyr179Ter)

Gene: KBTBD13 (kelch repeat and BTB domain containing 13; plus strand). Cytogenetic location: 15q22.31.
Variant type: single nucleotide variant.
Coding change: c.537C>G on transcript NM_001101362.3 (MANE Select); coding-DNA position 537, C replaced by G.
Protein change: p.Tyr179Ter; replaces tyrosine 179 with a stop codon.
Molecular consequence: nonsense.
Genome position (GRCh38, 1-based): chr15:65,077,352, C>G. VCF-style: chr15-65077352-C-G. GRCh37 (hg19) VCF-style: chr15-65369690-C-G.
Other names: short protein forms Y179*.
Identifiers: ClinVar variation 970961 (VCV000970961.7), dbSNP rs1465166108, ClinGen allele CA392861381.